The following is an entry in ClinVar:

NM_015474.4(SAMHD1):c.511G>T (p.Val171Leu)

Gene: SAMHD1 (SAM and HD domain containing deoxynucleoside triphosphate triphosphohydrolase 1; minus strand). Cytogenetic location: 20q11.23.
Variant type: single nucleotide variant.
Coding change: c.511G>T on transcript NM_015474.4 (MANE Select); coding-DNA position 511, G replaced by T.
Protein change: p.Val171Leu; replaces valine 171 with leucine.
Molecular consequence: missense variant.
Genome position (GRCh38, 1-based): chr20:36,930,874, C>A on the plus strand (G>T on the coding strand, the complement: SAMHD1 is on the minus strand). VCF-style: chr20-36930874-C-A. GRCh37 (hg19) VCF-style: chr20-35559277-C-A.
Other names: c.511G>T, p.Val171Leu (NM_001363729.2, NM_001363733.2); short protein forms V171L.
Identifiers: ClinVar variation 840542 (VCV000840542.7), dbSNP rs2063564236, ClinGen allele CA408822400.
Genomic context (GRCh38, chr20:36,930,874, plus strand): 5'-TCTGCAGCTCTGGTTGTTTTTCACCCAGTGCGTGAACTAGACATCCTGCTAGATACCCCA[C>A]CCTGCAGAGCAAAAACACAAAAAGTCACTTTTCTGTTTGCAAGAGGAGTGATAGTTCTGG-3'
Protein context (NP_056289.2, residues 161-181): SHNRFEHSLG[Val171Leu]GYLAGCLVHA

ClinVar aggregate classification (germline): Uncertain significance (1 of 4 stars; one submission).

Conditions:
Aicardi-Goutieres syndrome 5. Identifiers: Orphanet 51, MedGen C2749659, MONDO:0013059, OMIM 612952.

Submission:

Labcorp Genetics (formerly Invitae), Labcorp
Classification: Uncertain significance for Aicardi-Goutieres syndrome 5. Last evaluated: 2022-06-28. Review status: criteria provided, single submitter. Criteria: Invitae Variant Classification Sherloc (09022015). Collection method: clinical testing. Allele origin: germline.
Comment: This sequence change replaces valine, which is neutral and non-polar, with leucine, which is neutral and non-polar, at codon 171 of the SAMHD1 protein (p.Val171Leu). This variant is not present in population databases (gnomAD no frequency). This variant has not been reported in the literature in individuals affected with SAMHD1-related conditions. ClinVar contains an entry for this variant (Variation ID: 840542). Algorithms developed to predict the effect of missense changes on protein structure and function are either unavailable or do not agree on the potential impact of this missense change (SIFT: "Tolerated"; PolyPhen-2: "Probably Damaging"; Align-GVGD: "Class C0"). Algorithms developed to predict the effect of sequence changes on RNA splicing suggest that this variant may create or strengthen a splice site. In summary, the available evidence is currently insufficient to determine the role of this variant in disease. Therefore, it has been classified as a Variant of Uncertain Significance.